The following is an entry in ClinVar:

NM_000122.2(ERCC3):c.1335C>T (p.Thr445=)

Gene: ERCC3 (ERCC excision repair 3, TFIIH core complex helicase subunit; minus strand). Cytogenetic location: 2q14.3.
Variant type: single nucleotide variant.
Coding change: c.1335C>T on transcript NM_000122.2 (MANE Select); coding-DNA position 1335, C replaced by T.
Protein change: p.Thr445=; no amino-acid change (threonine 445 retained).
Molecular consequence: synonymous variant.
Genome position (GRCh38, 1-based): chr2:127,286,710, G>A on the plus strand (C>T on the coding strand, the complement: ERCC3 is on the minus strand). VCF-style: chr2-127286710-G-A. GRCh37 (hg19) VCF-style: chr2-128044286-G-A.
Other names: c.1143C>T, p.Thr381= (NM_001303416.2, NM_001303418.2).
Identifiers: ClinVar variation 783340 (VCV000783340.24), dbSNP rs4150422, ClinGen allele CA1858311.
Genomic context (GRCh38, chr2:127,286,710, plus strand): 5'-GGAAATTGGTTTGTCTGTTCAGCAAGTGGACAGCTCAGCTCCAGCCTGCTTACCTGGTAT[G>A]GTGTGCACTTCATCCAGGATCATGAGGCCCCACTCCTGGGTCTTGAGCCACTCCATGACT-3'
Protein context (NP_000113.1, residues 435-455): WGLMILDEVH[Thr445=]IPAKMFRRVL

ClinVar aggregate classification (germline): Benign/Likely benign. Review status: criteria provided, multiple submitters, no conflicts (2 of 4 stars). 6 submissions from 6 submitters: Benign (3); Likely benign (3). Last evaluated 2026-09-01.

Conditions:
Inborn genetic diseases. Identifiers: MedGen C0950123, MeSH D030342.
Xeroderma pigmentosum group B. Also called: XP, GROUP B; XPB/CS; XERODERMA PIGMENTOSUM B/COCKAYNE SYNDROME; ERCC3-Related Xeroderma Pigmentosum. Identifiers: MedGen C0268136, MONDO:0012531, OMIM 610651.

Allele frequency attached by ClinVar (database versions not stated): gnomAD exomes 0.00047 and 0.00101; ExAC 0.00139; gnomAD 0.00411 and 0.00440; TOPMed 0.00442; 1000 Genomes Project 30x 0.00453; 1000 Genomes Project 0.00459; ESP Exome Variant Server 0.00507.
gnomAD v4.1: 1,333 of 1,613,726 alleles (0.083%); highest among the groups gnomAD compares: African/African-American, 1.4%; 10 homozygotes.

Submissions (6):

CeGaT Center for Human Genetics Tuebingen
Classification: Likely benign. Last evaluated: 2026-09-01. Review status: criteria provided, single submitter. Criteria: CeGaT Center For Human Genetics Tuebingen Variant Classification Criteria Version 2. Collection method: clinical testing. Allele origin: germline. Affected: yes. Observed: 3 variant alleles.
Comment: ERCC3: BP4, BP7, BS1

Ambry Genetics
Classification: Likely benign for Inborn genetic diseases. Last evaluated: 2026-07-01. Review status: criteria provided, single submitter. Criteria: Ambry Variant Classification Scheme 2023. Collection method: clinical testing. Allele origin: germline.

Labcorp Genetics (formerly Invitae), Labcorp
Classification: Benign. Last evaluated: 2026-02-01. Review status: criteria provided, single submitter. Criteria: Invitae Variant Classification Sherloc (09022015). Collection method: clinical testing. Allele origin: germline.

Blueprint Genetics
Classification: Likely benign. Last evaluated: 2024-11-06. Review status: criteria provided, single submitter. Criteria: ACMG Guidelines, 2015. Collection method: clinical testing. Allele origin: germline.

Illumina Laboratory Services, Illumina
Classification: Benign for Xeroderma pigmentosum group B. Last evaluated: 2018-01-13. Review status: criteria provided, single submitter. Criteria: ICSL Variant Classification Criteria 13 December 2019. Collection method: clinical testing. Allele origin: germline.
Comment: This variant was observed in the ICSL laboratory as part of a predisposition screen in an ostensibly healthy population. It had not been previously curated by ICSL or reported in the Human Gene Mutation Database (HGMD: prior to June 1st, 2018), and was therefore a candidate for classification through an automated scoring system. Utilizing variant allele frequency, disease prevalence and penetrance estimates, and inheritance mode, an automated score was calculated to assess if this variant is too frequent to cause the disease. Based on the score and internal cut-off values, a variant classified as benign is not then subjected to further curation. The score for this variant resulted in a classification of benign for this disease.

Breakthrough Genomics
Classification: Benign. Review status: criteria provided, single submitter. Criteria: ACMG Guidelines, 2015. Collection method: not provided. Allele origin: germline. Inheritance: Autosomal recessive inheritance. Affected: yes.